The following is an entry in ClinVar:

NM_153252.5(BRWD3):c.2698A>G (p.Lys900Glu)

Gene: BRWD3 (bromodomain and WD repeat domain containing 3; minus strand). Cytogenetic location: Xq21.1.
Variant type: single nucleotide variant.
Coding change: c.2698A>G on transcript NM_153252.5 (MANE Select); coding-DNA position 2698, A replaced by G.
Protein change: p.Lys900Glu; replaces lysine 900 with glutamic acid.
Molecular consequence: missense variant.
Genome position (GRCh38, 1-based): chrX:80,704,701, T>C on the plus strand (A>G on the coding strand, the complement: BRWD3 is on the minus strand). VCF-style: chrX-80704701-T-C. GRCh37 (hg19) VCF-style: chrX-79960200-T-C.
Other names: short protein forms K900E.
Identifiers: ClinVar variation 2541423 (VCV002541423.2), dbSNP rs2520270307, ClinGen allele CA413626388.

ClinVar aggregate classification (germline): Uncertain significance (1 of 4 stars; one submission).

Conditions:
Inborn genetic diseases. Identifiers: MedGen C0950123, MeSH D030342.

Submission:

Ambry Genetics
Classification: Uncertain significance for Inborn genetic diseases. Last evaluated: 2023-06-08. Review status: criteria provided, single submitter. Criteria: Ambry Variant Classification Scheme 2023. Collection method: clinical testing. Allele origin: germline.
Comment: The c.2698A>G (p.K900E) alteration is located in exon 23 (coding exon 23) of the BRWD3 gene. This alteration results from an A to G substitution at nucleotide position 2698, causing the lysine (K) at amino acid position 900 to be replaced by a glutamic acid (E). This variant was not reported in population-based cohorts in the Genome Aggregation Database (gnomAD). This amino acid position is not well conserved in available vertebrate species, and glutamic acid is the reference amino acid in other vertebrate species. This alteration is predicted to be tolerated by in silico analysis. Based on insufficient or conflicting evidence, the clinical significance of this alteration remains unclear.